The following is an entry in ClinVar:

ClinVar aggregate classification (germline): Conflicting classifications of pathogenicity. Review status: criteria provided, conflicting classifications (1 of 4 stars). 2 submissions from 2 submitters: Uncertain significance (1); Likely benign (1). Last evaluated 2026-04-24.

Conditions:
Ehlers-Danlos syndrome, classic type, 1 (EDSCL1). Also called: Ehlers-Danlos syndrome, type 1; Ehlers-Danlos Syndrome, Classic Type, COL5A1-Related; EDS I; EHLERS-DANLOS SYNDROME, GRAVIS TYPE; EHLERS-DANLOS SYNDROME, SEVERE CLASSIC TYPE. Identifiers: MedGen C0268335, MONDO:0019567, OMIM 130000.

Submissions (2):

Women's Health and Genetics/Laboratory Corporation of America, LabCorp
Classification: Uncertain significance. Last evaluated: 2026-04-24. Review status: criteria provided, single submitter. Criteria: LabCorp Variant Classification Summary - May 2015. Collection method: clinical testing. Allele origin: germline.
Comment: Variant summary: COL5A1 c.655-9_655-7delCTT alters non-conserved nucleotides located at a position not widely known to affect splicing. Several computational tools predict a significant impact on normal splicing: Three predict the variant weakens athe canonical 3' acceptor site. Two predict the variant no significant impact on splicing. However, these predictions have yet to be confirmed by functional studies. The variant was absent in 251208 control chromosomes. The available data on variant occurrences in the general population are insufficient to allow any conclusion about variant significance. To our knowledge, no occurrence of c.655-9_655-7delCTT in individuals affected with COL5A1-related conditions and no experimental evidence demonstrating its impact on protein function have been reported. ClinVar contains an entry for this variant (Variation ID: 1950638). Based on the evidence outlined above, the variant was classified as uncertain significance.

Labcorp Genetics (formerly Invitae), Labcorp
Classification: Likely benign for Ehlers-Danlos syndrome, classic type, 1. Last evaluated: 2025-12-13. Review status: criteria provided, single submitter. Criteria: Invitae Variant Classification Sherloc (09022015). Collection method: clinical testing. Allele origin: germline.

NM_000093.5(COL5A1):c.655-9_655-7del

Gene: COL5A1 (collagen type V alpha 1 chain; plus strand). Cytogenetic location: 9q34.3.
Variant type: Microsatellite.
Coding change: c.655-9_655-7del on transcript NM_000093.5 (MANE Select); 9 bases into the intron before coding-DNA position 655 through 7 bases into the intron before coding-DNA position 655, 3 bases deleted (CTT; older notation c.655-9_655-7delCTT).
Molecular consequence: intron variant.
Genome position (GRCh38, 1-based): chr9:134,727,257-134,727,259, CTT deleted; deleting any 3 consecutive bases within chr9:134,727,253-134,727,259 gives the same sequence; the c. name uses the placement nearest the transcript's 3' end. VCF-style (leftmost placement, unchanged base first): chr9-134727252-CTCT-C. GRCh37 (hg19) VCF-style: chr9-137619098-CTCT-C.
Other names: c.655-9_655-7delCTT (NM_000093.5); c.655-9_655-7del (NM_001278074.1).
Identifiers: ClinVar variation 1950638 (VCV001950638.6), dbSNP rs1395935002, ClinGen allele CA860897333.